The following is an entry in ClinVar:

NM_001127222.2(CACNA1A):c.185A>T (p.Tyr62Phe)

Gene: CACNA1A (calcium voltage-gated channel subunit alpha1 A; minus strand). Cytogenetic location: 19p13.13.
Variant type: single nucleotide variant.
Coding change: c.185A>T on transcript NM_001127222.2 (MANE Select); coding-DNA position 185, A replaced by T.
Protein change: p.Tyr62Phe; replaces tyrosine 62 with phenylalanine.
Molecular consequence: missense variant.
Genome position (GRCh38, 1-based): chr19:13,506,040, T>A on the plus strand (A>T on the coding strand, the complement: CACNA1A is on the minus strand). VCF-style: chr19-13506040-T-A. GRCh37 (hg19) VCF-style: chr19-13616854-T-A.
Other names: c.185A>T, p.Tyr62Phe (NM_000068.4, NM_001127221.2, NM_001174080.2 and 1 more transcripts); short protein forms Y62F.
Identifiers: ClinVar variation 3754173 (VCV003754173.2).

ClinVar aggregate classification (germline): Likely pathogenic (1 of 4 stars; one submission).

Conditions:
Episodic ataxia type 2 (EA2). Also called: ATAXIA, EPISODIC, WITH NYSTAGMUS; ATAXIA, FAMILIAL PAROXYSMAL; ACETAZOLAMIDE-RESPONSIVE HEREDITARY PAROXYSMAL CEREBELLAR ATAXIA; CEREBELLAR ATAXIA, PAROXYSMAL, ACETAZOLAMIDE-RESPONSIVE; CEREBELLOPATHY, HEREDITARY PAROXYSMAL; EPISODIC ATAXIA, NYSTAGMUS-ASSOCIATED. Identifiers: Orphanet 97, MedGen C1720416, MONDO:0007163, OMIM 108500.
Developmental and epileptic encephalopathy, 42 (DEE42A). Also called: Epileptic encephalopathy, early infantile, 42; DEVELOPMENTAL AND EPILEPTIC ENCEPHALOPATHY 42A; EPILEPTIC ENCEPHALOPATHY, EARLY INFANTILE, 42A. Identifiers: MedGen C4310716, MONDO:0014917, OMIM 617106.

Submission:

Labcorp Genetics (formerly Invitae), Labcorp
Classification: Likely pathogenic for Developmental and epileptic encephalopathy, 42; Episodic ataxia type 2. Last evaluated: 2024-03-22. Review status: criteria provided, single submitter. Criteria: Invitae Variant Classification Sherloc (09022015). Collection method: clinical testing. Allele origin: germline.
Comment: This sequence change replaces tyrosine, which is neutral and polar, with phenylalanine, which is neutral and non-polar, at codon 62 of the CACNA1A protein (p.Tyr62Phe). This variant is not present in population databases (gnomAD no frequency). This variant has not been reported in the literature in individuals affected with CACNA1A-related conditions. Advanced modeling of protein sequence and biophysical properties (such as structural, functional, and spatial information, amino acid conservation, physicochemical variation, residue mobility, and thermodynamic stability) performed at Invitae indicates that this missense variant is expected to disrupt CACNA1A protein function with a positive predictive value of 95%. This variant disrupts the p.Tyr62 amino acid residue in CACNA1A. Other variant(s) that disrupt this residue have been determined to be pathogenic (PMID: 33425808). This suggests that this residue is clinically significant, and that variants that disrupt this residue are likely to be disease-causing. In summary, the currently available evidence indicates that the variant is pathogenic, but additional data are needed to prove that conclusively. Therefore, this variant has been classified as Likely Pathogenic.

Literature cited by the submitters: PubMed 33425808.